The following is an entry in ClinVar:

ClinVar aggregate classification (germline): VUS-low (1 of 4 stars; one submission).

Conditions:
Leber congenital amaurosis 1 (LCA1). Also called: Congenital absence of the rods and cones; Leber's congenital tapetoretinal degeneration; Leber's congenital tapetoretinal dysplasia; AMAUROSIS CONGENITA OF LEBER I; RETINAL BLINDNESS, CONGENITAL. Identifiers: Orphanet 65, MedGen C2931258, MONDO:0008764, OMIM 204000.

Submission:

Dr. Oladnabi Research Group, Golestan University of Medical Sciences
Classification: VUS-low for Leber congenital amaurosis 1. Review status: criteria provided, single submitter. Criteria: ACMG Guidelines, 2015. Collection method: research. Allele origin: germline. Inheritance: Autosomal recessive inheritance. Affected: yes. Observed: 1 homozygote.
Comment: The novel GUCY2D variant (c.2944G>A; p.Gly982Ser) results in the substitution of glycine by serine at a conserved position within the catalytic domain of retinal guanylate cyclase-1. This residue is essential for normal phototransduction signaling, and alteration at this site is predicted to disrupt protein function. According to the ACMG guidelines, the variant is classified as a variant of uncertain significance (VUS), supported by PP3 (Strong)—as multiple in-silico prediction tools indicate a deleterious effect on protein structure and function—and PM2 (Moderate)—as the variant is extremely rare or absent in large population databases such as gnomAD. Biallelic pathogenic variants in GUCY2D (OMIM 600179) are an established cause of autosomal recessive retinal diseases, including cone-rod dystrophy 6, Leber congenital amaurosis 1, and congenital stationary night blindness type 1.

Literature cited by the submitters: DOI 10.1016/j.ajo.2018.03.021.

NM_000180.4(GUCY2D):c.2944G>A (p.Gly982Ser)

Gene: GUCY2D (guanylate cyclase 2D, retinal; plus strand). Cytogenetic location: 17p13.1.
Variant type: single nucleotide variant.
Coding change: c.2944G>A on transcript NM_000180.4 (MANE Select); coding-DNA position 2944, G replaced by A.
Protein change: p.Gly982Ser; replaces glycine 982 with serine.
Molecular consequence: missense variant.
Genome position (GRCh38, 1-based): chr17:8,015,502, G>A. VCF-style: chr17-8015502-G-A. GRCh37 (hg19) VCF-style: chr17-7918820-G-A.
Other names: short protein forms G982S.
Identifiers: ClinVar variation 4756117 (VCV004756117.1).
Genomic context (GRCh38, chr17:8,015,502, plus strand): 5'-ACTTTCCGCATGCGCCATATGCCTGAGGTTCCCGTGCGCATCCGCATAGGCCTGCACTCG[G>A]GTAACTCCCGGGTCTTCCCAGGCTCCAGCCCATCTCCCTCTTTAGGGCCTGGCCCCAGAT-3'
Protein context (NP_000171.1, residues 972-992): PVRIRIGLHS[Gly982Ser]PCVAGVVGLT